The following is an entry in ClinVar:

ClinVar aggregate classification (germline): Uncertain significance (1 of 4 stars; one submission).

gnomAD v4.1: 3 of 1,612,372 alleles (0.00019%); highest among the groups gnomAD compares: Non-Finnish European, 0.00025%; no homozygotes.

Submission:

Labcorp Genetics (formerly Invitae), Labcorp
Classification: Uncertain significance. Last evaluated: 2025-01-05. Review status: criteria provided, single submitter. Criteria: Invitae Variant Classification Sherloc (09022015). Collection method: clinical testing. Allele origin: germline.
Comment: This sequence change replaces alanine, which is neutral and non-polar, with valine, which is neutral and non-polar, at codon 2168 of the DCHS1 protein (p.Ala2168Val). This variant is not present in population databases (gnomAD no frequency). This variant has not been reported in the literature in individuals affected with DCHS1-related conditions. ClinVar contains an entry for this variant (Variation ID: 2819373). Invitae Evidence Modeling of protein sequence and biophysical properties (such as structural, functional, and spatial information, amino acid conservation, physicochemical variation, residue mobility, and thermodynamic stability) indicates that this missense variant is not expected to disrupt DCHS1 protein function with a negative predictive value of 80%. In summary, the available evidence is currently insufficient to determine the role of this variant in disease. Therefore, it has been classified as a Variant of Uncertain Significance.

NM_003737.4(DCHS1):c.6503C>T (p.Ala2168Val)

Gene: DCHS1 (dachsous cadherin-related 1; minus strand). Cytogenetic location: 11p15.4.
Variant type: single nucleotide variant.
Coding change: c.6503C>T on transcript NM_003737.4 (MANE Select); coding-DNA position 6503, C replaced by T.
Protein change: p.Ala2168Val; replaces alanine 2168 with valine.
Molecular consequence: missense variant.
Genome position (GRCh38, 1-based): chr11:6,626,242, G>A on the plus strand (C>T on the coding strand, the complement: DCHS1 is on the minus strand). VCF-style: chr11-6626242-G-A. GRCh37 (hg19) VCF-style: chr11-6647473-G-A.
Other names: short protein forms A2168V.
Identifiers: ClinVar variation 2819373 (VCV002819373.3), dbSNP rs2493816627, ClinGen allele CA379387985.